The following is an entry in ClinVar:

NM_130839.5(UBE3A):c.2035A>G (p.Ile679Val)

Genes: SNHG14 (small nucleolar RNA host gene 14; plus strand), UBE3A (ubiquitin protein ligase E3A; minus strand). Cytogenetic location: 15q11.2.
Variant type: single nucleotide variant.
Coding change: c.2035A>G on transcript NM_130839.5 (MANE Select); coding-DNA position 2035, A replaced by G.
Protein change: p.Ile679Val; replaces isoleucine 679 with valine.
Molecular consequence: missense variant. On other transcripts: non-coding transcript variant (1), intron variant (1).
Genome position (GRCh38, 1-based): chr15:25,355,981, T>C on the plus strand (A>G on the coding strand, the complement: UBE3A is on the minus strand). VCF-style: chr15-25355981-T-C. GRCh37 (hg19) VCF-style: chr15-25601128-T-C.
Other names: c.1975A>G, p.Ile659Val (NM_130838.4, NM_001354543.2, NM_001354544.2 and 16 more transcripts); c.1899+710A>G (NM_001354549.2); c.2035A>G, p.Ile679Val (NM_001354545.2, NM_001354505.1, NM_001354538.2); c.1858A>G, p.Ile620Val (NM_001354546.2); c.784A>G, p.Ile262Val (NM_001354550.2); c.724A>G, p.Ile242Val (NM_001354551.2); c.2044A>G, p.Ile682Val (NM_000462.5); short protein forms I242V, I262V, I620V, I659V, I679V, I682V.
Identifiers: ClinVar variation 2429614 (VCV002429614.2), dbSNP rs2077166207, ClinGen allele CA391352180.

ClinVar aggregate classification (germline): Uncertain significance (1 of 4 stars; one submission).

Allele frequency attached by ClinVar (database versions not stated): gnomAD 0.00001.
gnomAD v4.1: 1 of 1,613,732 alleles (0.000062%); highest among the groups gnomAD compares: African/African-American, 0.0013%; no homozygotes.

Submission:

GeneDx
Classification: Uncertain significance. Last evaluated: 2025-05-23. Review status: criteria provided, single submitter. Criteria: GeneDx Variant Classification Process June 2021. Collection method: clinical testing. Allele origin: germline. Affected: yes.
Comment: Not observed at significant frequency in large population cohorts (gnomAD); In silico analysis suggests that this missense variant does not alter protein structure/function, but splice predictors indicate that the variant may lead to abnormal gene splicing; Has not been previously published as pathogenic or benign to our knowledge